The following is an entry in ClinVar:

ClinVar aggregate classification (germline): Uncertain significance (1 of 4 stars; one submission).

Allele frequency attached by ClinVar (database versions not stated): gnomAD 0.00001; TOPMed 0.00001; gnomAD exomes 0.00003.
gnomAD v4.1: 10 of 1,613,934 alleles (0.00062%); highest among the groups gnomAD compares: East Asian, 0.022%; no homozygotes.

Submission:

GeneDx
Classification: Uncertain significance. Last evaluated: 2017-04-13. Review status: criteria provided, single submitter. Criteria: GeneDx Variant Classification (06012015). Collection method: clinical testing. Allele origin: germline. Affected: yes.
Comment: The G63D variant in the RELN gene has not been reported previously as a pathogenic variant, nor as a benign variant, to our knowledge. This variant is not observed in large population cohorts (Lek et al., 2016; 1000 Genomes Consortium et al., 2015; Exome Variant Server). The G63D variant is a non-conservative amino acid substitution, which is likely to impact secondary protein structure as these residues differ in polarity, charge, size and/or other properties. This substitution occurs at a position that is conserved across species. In silico analysis is inconsistent in its predictions as to whether or not the variant is damaging to the protein structure/function. We interpret G63D as a variant of uncertain significance.

NM_005045.4(RELN):c.188G>A (p.Gly63Asp)

Gene: RELN (reelin; minus strand). Cytogenetic location: 7q22.1.
Variant type: single nucleotide variant.
Coding change: c.188G>A on transcript NM_005045.4 (MANE Select); coding-DNA position 188, G replaced by A.
Protein change: p.Gly63Asp; replaces glycine 63 with aspartic acid.
Molecular consequence: missense variant.
Genome position (GRCh38, 1-based): chr7:103,989,169, C>T on the plus strand (G>A on the coding strand, the complement: RELN is on the minus strand). VCF-style: chr7-103989169-C-T. GRCh37 (hg19) VCF-style: chr7-103629616-C-T.
Other names: c.188G>A, p.Gly63Asp (NM_173054.3); short protein forms G63D.
Identifiers: ClinVar variation 426510 (VCV000426510.2), dbSNP rs1085307660, ClinGen allele CA368931287.